The following is an entry in ClinVar:

NM_001853.4(COL9A3):c.441C>T (p.Pro147=)

Gene: COL9A3 (collagen type IX alpha 3 chain; plus strand). Cytogenetic location: 20q13.33.
Variant type: single nucleotide variant.
Coding change: c.441C>T on transcript NM_001853.4 (MANE Select); coding-DNA position 441, C replaced by T.
Protein change: p.Pro147=; no amino-acid change (proline 147 retained).
Molecular consequence: synonymous variant.
Genome position (GRCh38, 1-based): chr20:62,822,128, C>T. VCF-style: chr20-62822128-C-T. GRCh37 (hg19) VCF-style: chr20-61453480-C-T.
Other names: c.441C>T, p.Pro147= (LRG_1253t1).
Identifiers: ClinVar variation 1569690 (VCV001569690.12), dbSNP rs41306378, ClinGen allele CA9949274.

ClinVar aggregate classification (germline): Likely benign. Review status: criteria provided, multiple submitters, no conflicts (2 of 4 stars). 4 submissions from 4 submitters: Likely benign (3). 1 of the submissions does not count toward it. Last evaluated 2026-05-12.

Conditions:
COL9A3-related disorder. Also called: COL9A3-related condition.

Allele frequency attached by ClinVar (database versions not stated): ExAC 0.00004; gnomAD exomes 0.00005; gnomAD 0.00008; TOPMed 0.00008; 1000 Genomes Project 30x 0.00016.
gnomAD v4.1: 123 of 1,584,418 alleles (0.0078%); highest among the groups gnomAD compares: Non-Finnish European, 0.0099%; no homozygotes.

Submissions (4):

Women's Health and Genetics/Laboratory Corporation of America, LabCorp
Classification: Likely benign. Last evaluated: 2026-05-12. Review status: criteria provided, single submitter. Criteria: LabCorp Variant Classification Summary - May 2015. Collection method: clinical testing. Allele origin: germline.

Labcorp Genetics (formerly Invitae), Labcorp
Classification: Likely benign. Last evaluated: 2026-01-26. Review status: criteria provided, single submitter. Criteria: Invitae Variant Classification Sherloc (09022015). Collection method: clinical testing. Allele origin: germline.

Blueprint Genetics
Classification: Likely benign. Last evaluated: 2024-10-23. Review status: criteria provided, single submitter. Criteria: ACMG Guidelines, 2015. Collection method: clinical testing. Allele origin: germline.

PreventionGenetics, part of Exact Sciences
Classification: Likely benign for COL9A3-related condition. Last evaluated: 2019-06-14. Review status: no assertion criteria provided. Collection method: clinical testing. Allele origin: germline. Not counted in ClinVar's aggregate classification.
Comment: This variant is classified as likely benign based on ACMG/AMP sequence variant interpretation guidelines (Richards et al. 2015 PMID: 25741868, with internal and published modifications).